The following is an entry in ClinVar:

ClinVar aggregate classification (germline): Uncertain significance (1 of 4 stars; one submission).

Allele frequency attached by ClinVar (database versions not stated): gnomAD exomes below 0.00001; TOPMed below 0.00001; gnomAD 0.00001.
gnomAD v4.1: 3 of 1,611,356 alleles (0.00019%); highest among the groups gnomAD compares: Non-Finnish European, 0.00025%; no homozygotes.

Submission:

GeneDx
Classification: Uncertain significance. Last evaluated: 2022-03-08. Review status: criteria provided, single submitter. Criteria: GeneDx Variant Classification Process June 2021. Collection method: clinical testing. Allele origin: germline. Affected: yes.
Comment: Has not been previously published as pathogenic or benign to our knowledge; Not observed at significant frequency in large population cohorts (gnomAD); In silico analysis supports that this missense variant has a deleterious effect on protein structure/function

NM_005121.3(MED13):c.2774G>A (p.Ser925Asn)

Gene: MED13 (mediator complex subunit 13; minus strand). Cytogenetic location: 17q23.2.
Variant type: single nucleotide variant.
Coding change: c.2774G>A on transcript NM_005121.3 (MANE Select); coding-DNA position 2774, G replaced by A.
Protein change: p.Ser925Asn; replaces serine 925 with asparagine.
Molecular consequence: missense variant.
Genome position (GRCh38, 1-based): chr17:61,984,285, C>T on the plus strand (G>A on the coding strand, the complement: MED13 is on the minus strand). VCF-style: chr17-61984285-C-T. GRCh37 (hg19) VCF-style: chr17-60061646-C-T.
Other names: short protein forms S925N.
Identifiers: ClinVar variation 1704683 (VCV001704683.2), dbSNP rs2080229814, ClinGen allele CA400507799.